The following is an entry in ClinVar:

ClinVar aggregate classification (germline): Pathogenic/Likely pathogenic. Review status: criteria provided, multiple submitters, no conflicts (2 of 4 stars). 3 submissions from 3 submitters: Pathogenic (1); Likely pathogenic (2). Last evaluated 2024-10-03.

Conditions:
Retinitis pigmentosa 62 (RP62). Identifiers: Orphanet 791, MedGen C3280042, MONDO:0013611, OMIM 614181.
MAK-related disorders.

Submissions (3):

Blueprint Genetics
Classification: Likely pathogenic for MAK-related disorders. Last evaluated: 2024-10-03. Review status: criteria provided, single submitter. Criteria: ACMG Guidelines, 2015. Collection method: clinical testing. Allele origin: germline. Affected: yes. Observed: 3 variant alleles.

Fulgent Genetics
Classification: Likely pathogenic for Retinitis pigmentosa 62. Last evaluated: 2024-03-18. Review status: criteria provided, single submitter. Criteria: ACMG Guidelines, 2015. Collection method: clinical testing. Allele origin: germline.

Labcorp Genetics (formerly Invitae), Labcorp
Classification: Pathogenic. Last evaluated: 2024-01-25. Review status: criteria provided, single submitter. Criteria: Invitae Variant Classification Sherloc (09022015). Collection method: clinical testing. Allele origin: germline.
Comment: This sequence change creates a premature translational stop signal (p.Leu316Phefs*3) in the MAK gene. It is expected to result in an absent or disrupted protein product. Loss-of-function variants in MAK are known to be pathogenic (PMID: 21148103, 21825139, 24938718, 29781741). This variant is present in population databases (rs777909571, gnomAD 0.003%). This premature translational stop signal has been observed in individual(s) with clinical features of MAK-related conditions (PMID: 36460718). For these reasons, this variant has been classified as Pathogenic.

Literature cited by the submitters: PubMed 21148103 (cited by Labcorp Genetics (formerly Invitae), Labcorp); PubMed 21825139 (cited by Labcorp Genetics (formerly Invitae), Labcorp); PubMed 24938718 (cited by Labcorp Genetics (formerly Invitae), Labcorp); PubMed 29781741 (cited by Labcorp Genetics (formerly Invitae), Labcorp); PubMed 36460718 (cited by Labcorp Genetics (formerly Invitae), Labcorp).

NM_001242957.3(MAK):c.947dup (p.Leu316fs)

Gene: MAK (male germ cell associated kinase; minus strand). Cytogenetic location: 6p24.2.
Variant type: Duplication.
Coding change: c.947dup on transcript NM_001242957.3 (MANE Select); coding-DNA position 947, one base duplicated (T; older notation c.947dupT).
Protein change: p.Leu316fs; shifts the reading frame from leucine 316.
Molecular consequence: frameshift variant. On other transcripts: non-coding transcript variant (2).
Genome position (GRCh38, 1-based): chr6:10,796,194, A duplicated on the plus strand (T on the coding strand, the reverse complement: MAK is on the minus strand); the first of 3 consecutive A bases (chr6:10,796,194-10,796,196); duplicating any one gives the same sequence. VCF-style (leftmost placement, unchanged base first): chr6-10796193-T-TA. GRCh37 (hg19) VCF-style: chr6-10796426-T-TA.
Other names: c.947dup, p.Leu316fs (NM_001242385.2, NM_005906.6); c.845dup, p.Leu282fs (NM_001377262.1); short protein forms L282fs, L316fs.
Identifiers: ClinVar variation 2893031 (VCV002893031.5), dbSNP rs777909571, ClinGen allele CA3633593.